The following is an entry in ClinVar:

NM_004963.4(GUCY2C):c.755C>T (p.Pro252Leu)

Genes: GUCY2C (guanylate cyclase 2C; minus strand), GUCY2C-AS1 (GUCY2C antisense RNA 1; plus strand). Cytogenetic location: 12p12.3.
Variant type: single nucleotide variant.
Coding change: c.755C>T on transcript NM_004963.4 (MANE Select); coding-DNA position 755, C replaced by T.
Protein change: p.Pro252Leu; replaces proline 252 with leucine.
Molecular consequence: missense variant.
Genome position (GRCh38, 1-based): chr12:14,679,732, G>A on the plus strand (C>T on the coding strand, the complement: GUCY2C is on the minus strand). VCF-style: chr12-14679732-G-A. GRCh37 (hg19) VCF-style: chr12-14832666-G-A.
Other names: c.755C>T (NM_004963.3); short protein forms P252L.
Identifiers: ClinVar variation 3671580 (VCV003671580.3).

ClinVar aggregate classification (germline): Uncertain significance. Review status: criteria provided, multiple submitters, no conflicts (2 of 4 stars). 2 submissions from 2 submitters: Uncertain significance (2). Last evaluated 2025-12-31.

Conditions:
Inborn genetic diseases. Identifiers: MedGen C0950123, MeSH D030342.

gnomAD v4.1: 47 of 1,581,570 alleles (0.003%); highest among the groups gnomAD compares: African/African-American, 0.057%; no homozygotes.

Submissions (2):

Labcorp Genetics (formerly Invitae), Labcorp
Classification: Uncertain significance. Last evaluated: 2025-12-31. Review status: criteria provided, single submitter. Criteria: Invitae Variant Classification Sherloc (09022015). Collection method: clinical testing. Allele origin: germline.
Comment: This sequence change replaces proline, which is neutral and non-polar, with leucine, which is neutral and non-polar, at codon 252 of the GUCY2C protein (p.Pro252Leu). This variant is present in population databases (rs200432723, gnomAD 0.07%). This variant has not been reported in the literature in individuals affected with GUCY2C-related conditions. ClinVar contains an entry for this variant (Variation ID: 3671580). Invitae Evidence Modeling of protein sequence and biophysical properties (such as structural, functional, and spatial information, amino acid conservation, physicochemical variation, residue mobility, and thermodynamic stability) indicates that this missense variant is not expected to disrupt GUCY2C protein function with a negative predictive value of 80%. In summary, the available evidence is currently insufficient to determine the role of this variant in disease. Therefore, it has been classified as a Variant of Uncertain Significance.

Ambry Genetics
Classification: Uncertain significance for Inborn genetic diseases. Last evaluated: 2025-05-05. Review status: criteria provided, single submitter. Criteria: Ambry Variant Classification Scheme 2023. Collection method: clinical testing. Allele origin: germline.